The following is an entry in ClinVar:

NM_145290.4(ADGRA3):c.2481A>G (p.Ala827=)

Gene: ADGRA3 (adhesion G protein-coupled receptor A3; minus strand). Cytogenetic location: 4p15.2.
Variant type: single nucleotide variant.
Coding change: c.2481A>G on transcript NM_145290.4 (MANE Select); coding-DNA position 2481, A replaced by G.
Protein change: p.Ala827=; no amino-acid change (alanine 827 retained).
Molecular consequence: synonymous variant.
Genome position (GRCh38, 1-based): chr4:22,401,431, T>C on the plus strand (A>G on the coding strand, the complement: ADGRA3 is on the minus strand). VCF-style: chr4-22401431-T-C. GRCh37 (hg19) VCF-style: chr4-22403054-T-C.
Identifiers: ClinVar variation 1427474 (VCV001427474.6), dbSNP rs2109006683, ClinGen allele CA438720245.

ClinVar aggregate classification (germline): Uncertain significance (1 of 4 stars; one submission).

Allele frequency attached by ClinVar (database versions not stated): gnomAD exomes below 0.00001.
gnomAD v4.1: 3 of 1,600,528 alleles (0.00019%); highest among the groups gnomAD compares: Non-Finnish European, 0.00026%; no homozygotes.

Submission:

Labcorp Genetics (formerly Invitae), Labcorp
Classification: Uncertain significance. Last evaluated: 2023-06-16. Review status: criteria provided, single submitter. Criteria: Invitae Variant Classification Sherloc (09022015). Collection method: clinical testing. Allele origin: germline.
Comment: This sequence change affects codon 827 of the ADGRA3 mRNA. It is a 'silent' change, meaning that it does not change the encoded amino acid sequence of the ADGRA3 protein. It affects a nucleotide within the consensus splice site. This variant is not present in population databases (gnomAD no frequency). This variant has not been reported in the literature in individuals affected with ADGRA3-related conditions. ClinVar contains an entry for this variant (Variation ID: 1427474). Algorithms developed to predict the effect of sequence changes on RNA splicing suggest that this variant may disrupt the consensus splice site. In summary, the available evidence is currently insufficient to determine the role of this variant in disease. Therefore, it has been classified as a Variant of Uncertain Significance.